The following is an entry in ClinVar:

ClinVar aggregate classification (germline): Uncertain significance (1 of 4 stars; one submission).

Allele frequency attached by ClinVar (database versions not stated): gnomAD exomes below 0.00001 and 0.00001; gnomAD 0.00001; TOPMed 0.00001.
gnomAD v4.1: 2 of 1,210,151 alleles (0.00017%); highest among the groups gnomAD compares: Non-Finnish European, 0.00022%; no homozygotes.

Submission:

GeneDx
Classification: Uncertain significance. Last evaluated: 2020-07-10. Review status: criteria provided, single submitter. Criteria: GeneDx Variant Classification Process June 2021. Collection method: clinical testing. Allele origin: germline. Affected: yes.
Comment: Not observed at a significant frequency in large population cohorts (Lek et al., 2016); In silico analysis supports that this missense variant has a deleterious effect on protein structure/function; Has not been previously published as pathogenic or benign to our knowledge

NM_153252.5(BRWD3):c.1645G>A (p.Glu549Lys)

Gene: BRWD3 (bromodomain and WD repeat domain containing 3; minus strand). Cytogenetic location: Xq21.1.
Variant type: single nucleotide variant.
Coding change: c.1645G>A on transcript NM_153252.5 (MANE Select); coding-DNA position 1645, G replaced by A.
Protein change: p.Glu549Lys; replaces glutamic acid 549 with lysine.
Molecular consequence: missense variant.
Genome position (GRCh38, 1-based): chrX:80,723,753, C>T on the plus strand (G>A on the coding strand, the complement: BRWD3 is on the minus strand). VCF-style: chrX-80723753-C-T. GRCh37 (hg19) VCF-style: chrX-79979252-C-T.
Other names: short protein forms E549K.
Identifiers: ClinVar variation 384348 (VCV000384348.3), dbSNP rs1057521931, ClinGen allele CA16608996.